The following is an entry in ClinVar:

NM_006121.4(KRT1):c.612G>C (p.Gln204His)

Gene: KRT1 (keratin 1; minus strand). Cytogenetic location: 12q13.13.
Variant type: single nucleotide variant.
Coding change: c.612G>C on transcript NM_006121.4 (MANE Select); coding-DNA position 612, G replaced by C.
Protein change: p.Gln204His; replaces glutamine 204 with histidine.
Molecular consequence: missense variant.
Genome position (GRCh38, 1-based): chr12:52,678,736, C>G on the plus strand (G>C on the coding strand, the complement: KRT1 is on the minus strand). VCF-style: chr12-52678736-C-G. GRCh37 (hg19) VCF-style: chr12-53072520-C-G.
Other names: short protein forms Q204H.
Identifiers: ClinVar variation 546332 (VCV000546332.2), dbSNP rs1555171443, ClinGen allele CA384972560.

ClinVar aggregate classification (germline): Uncertain significance (1 of 4 stars; one submission).

Allele frequency attached by ClinVar (database versions not stated): gnomAD exomes below 0.00001.
gnomAD v4.1: 1 of 1,614,126 alleles (0.000062%); highest among the groups gnomAD compares: Non-Finnish European, 0.000085%; no homozygotes.

Submission:

GeneDx
Classification: Uncertain significance. Last evaluated: 2018-05-09. Review status: criteria provided, single submitter. Criteria: GeneDx Variant Classification (06012015). Collection method: clinical testing. Allele origin: germline. Affected: yes.
Comment: The Q204H variant in the KRT1 gene has not been reported previously as a pathogenic variant, nor as a benign variant, to our knowledge. The Q204H variant is not observed in large population cohorts, indicating it is not a common polymorphisms (Lek et al., 2016). The Q204H variant is a semi-conservative amino acid substitution, which may impact secondary protein structure as these residues differ in some properties. In-silico analyses, including protein predictors and evolutionary conservation, support a deleterious effect. Nevertheless, while Q204H is located in the conserved 1A region of the alpha-helical rod domain, it lies outside the mutational hotspot at the helix initiation motif. Therefore, we interpret Q204H as a variant of uncertain significance.